The following is an entry in ClinVar:

ClinVar aggregate classification (germline): Likely benign (0 of 4 stars; one submission).

Conditions:
LEPR-related disorder. Also called: LEPR-related condition; LEPR-related disorders.

Submission:

PreventionGenetics, part of Exact Sciences
Classification: Likely benign for LEPR-related condition. Last evaluated: 2020-12-18. Review status: no assertion criteria provided. Collection method: clinical testing. Allele origin: germline.
Comment: This variant is classified as likely benign based on ACMG/AMP sequence variant interpretation guidelines (Richards et al. 2015 PMID: 25741868, with internal and published modifications).

NM_002303.6(LEPR):c.371-33_371-9dup

Gene: LEPR (leptin receptor; plus strand). Cytogenetic location: 1p31.3.
Variant type: Duplication.
Coding change: c.371-33_371-9dup on transcript NM_002303.6 (MANE Select); 33 bases into the intron before coding-DNA position 371 through 9 bases into the intron before coding-DNA position 371, 25 bases duplicated (TTTTTTTTTTTTTTTTTTTTTTTTT).
Molecular consequence: intron variant.
Genome position (GRCh38, 1-based): chr1:65,572,293-65,572,317, TTTTTTTTTTTTTTTTTTTTTTTTT duplicated; duplicating any 25 consecutive bases within chr1:65,572,291-65,572,317 gives the same sequence; the c. name uses the placement nearest the transcript's 3' end. VCF-style (leftmost placement, unchanged base first): chr1-65572290-G-GTTTTTTTTTTTTTTTTTTTTTTTTT. GRCh37 (hg19) VCF-style: chr1-66037973-G-GTTTTTTTTTTTTTTTTTTTTTTTTT.
Other names: c.371-33_371-9dup (NM_001003679.3, NM_001003680.3, NM_001198689.2 and 2 more transcripts).
Identifiers: ClinVar variation 3352473 (VCV003352473.1).